The following is an entry in ClinVar:

NM_015294.6(TRIM37):c.1501GAG[1] (p.Glu502del)

Gene: TRIM37 (tripartite motif containing 37; minus strand). Cytogenetic location: 17q22.
Variant type: Microsatellite.
Coding change: c.1501GAG[1] on transcript NM_015294.6 (MANE Select); one copy of the 3-base unit GAG starting at c.1501; the reference has two copies in a row; one copy, 3 bases deleted.
Protein change: p.Glu502del; deletes glutamic acid 502.
Molecular consequence: inframe deletion. On other transcripts: non-coding transcript variant (2).
Genome position (GRCh38, 1-based): chr17:59,049,202-59,049,204, CTC deleted on the plus strand (GAG on the coding strand, the reverse complement: TRIM37 is on the minus strand); deleting any 3 consecutive bases within chr17:59,049,202-59,049,207 gives the same sequence; the position shown is the placement nearest the transcript's 3' end. VCF-style (leftmost placement, unchanged base first): chr17-59049201-TCTC-T. GRCh37 (hg19) VCF-style: chr17-57126562-TCTC-T.
Other names: c.1501GAG[1], p.Glu502del (NM_001005207.5, NM_001320988.3, NM_001320989.3 and 1 more transcripts); c.1399GAG[1], p.Glu468del (NM_001320987.3, NM_001353082.2); c.1135GAG[1], p.Glu380del (NM_001320990.3); c.766GAG[1], p.Glu257del (NM_001353083.2); c.1039GAG[1], p.Glu348del (NM_001353085.2); c.1450GAG[1], p.Glu485del (NM_001353086.2); short protein forms E257del, E348del, E502del, E468del, E485del, E380del.
Identifiers: ClinVar variation 1495693 (VCV001495693.5), dbSNP rs775980753, ClinGen allele CA8678287.
Genomic context (GRCh38, chr17:59,049,201, plus strand): 5'-ATCAAACACAAAAATCTAAAACTGGCCTCATTATTACATGATAATCTTCATTCTGAATCT[TCTC>T]CTCATCTTCTTCATCCTCTTTGGCCTCTCTTACAGAAGCTGTAGTAGGACCACCTTCGAG-3'

ClinVar aggregate classification (germline): Uncertain significance (1 of 4 stars; one submission).

Submission:

Labcorp Genetics (formerly Invitae), Labcorp
Classification: Uncertain significance. Last evaluated: 2021-09-24. Review status: criteria provided, single submitter. Criteria: Invitae Variant Classification Sherloc (09022015). Collection method: clinical testing. Allele origin: germline.
Comment: This variant, c.1504_1506del, results in the deletion of 1 amino acid(s) of the TRIM37 protein (p.Glu502del), but otherwise preserves the integrity of the reading frame. This variant is present in population databases (rs775980753, ExAC 0.02%). This variant has not been reported in the literature in individuals affected with TRIM37-related conditions. Experimental studies and prediction algorithms are not available or were not evaluated, and the functional significance of this variant is currently unknown. In summary, the available evidence is currently insufficient to determine the role of this variant in disease. Therefore, it has been classified as a Variant of Uncertain Significance.